The following is an entry in ClinVar:

NM_000435.3(NOTCH3):c.5684G>A (p.Arg1895His)

Gene: NOTCH3 (notch receptor 3; minus strand). Cytogenetic location: 19p13.12.
Variant type: single nucleotide variant.
Coding change: c.5684G>A on transcript NM_000435.3 (MANE Select); coding-DNA position 5684, G replaced by A.
Protein change: p.Arg1895His; replaces arginine 1895 with histidine.
Molecular consequence: missense variant.
Genome position (GRCh38, 1-based): chr19:15,165,499, C>T on the plus strand (G>A on the coding strand, the complement: NOTCH3 is on the minus strand). VCF-style: chr19-15165499-C-T. GRCh37 (hg19) VCF-style: chr19-15276310-C-T.
Other names: p.Arg1895His; short protein forms R1895H.
Identifiers: ClinVar variation 889552 (VCV000889552.6), dbSNP rs369768722, ClinGen allele CA305761177.

ClinVar aggregate classification (germline): Uncertain significance. Review status: criteria provided, multiple submitters, no conflicts (2 of 4 stars). 3 submissions from 3 submitters: Uncertain significance (3). Last evaluated 2026-06-24.

Conditions:
Cerebral arteriopathy, autosomal dominant, with subcortical infarcts and leukoencephalopathy, type 1 (CADASIL1). Also called: CADASIL 1; CASIL; Cerebral arteriopathy with subcortical infarcts and leukoencephalopathy 1; DEMENTIA, HEREDITARY MULTIINFARCT TYPE. Identifiers: Orphanet 136, MedGen C4551768, MONDO:0000914, OMIM 125310.

Allele frequency attached by ClinVar (database versions not stated): gnomAD exomes below 0.00001.
gnomAD v4.1: 25 of 1,612,172 alleles (0.0016%); highest among the groups gnomAD compares: East Asian, 0.0022%; no homozygotes.

Submissions (3):

Women's Health and Genetics/Laboratory Corporation of America, LabCorp
Classification: Uncertain significance. Last evaluated: 2026-06-24. Review status: criteria provided, single submitter. Criteria: LabCorp Variant Classification Summary - May 2015. Collection method: clinical testing. Allele origin: germline.
Comment: Variant summary: NOTCH3 c.5684G>A (p.Arg1895His) results in a non-conservative amino acid change in the encoded protein sequence. Algorithms developed to predict the effect of missense changes on protein structure and function are either unavailable or do not agree on the potential impact of this missense change. The variant allele was found at a frequency of 4e-06 in 249256 control chromosomes. The available data on variant occurrences in the general population are insufficient to allow any conclusion about variant significance. To our knowledge, no occurrence of c.5684G>A in individuals affected with NOTCH3-related conditions and no experimental evidence demonstrating its impact on protein function have been reported. ClinVar contains an entry for this variant (Variation ID: 889552). Based on the evidence outlined above, the variant was classified as uncertain significance.

Mayo Clinic Laboratories, Mayo Clinic
Classification: Uncertain significance. Last evaluated: 2023-07-12. Review status: criteria provided, single submitter. Criteria: ACMG Guidelines, 2015. Collection method: clinical testing. Allele origin: germline. Observed: 1 variant allele.
Comment: BP1

Illumina Laboratory Services, Illumina
Classification: Uncertain significance for Cerebral arteriopathy, autosomal dominant, with subcortical infarcts and leukoencephalopathy, type 1. Last evaluated: 2018-01-13. Review status: criteria provided, single submitter. Criteria: ICSL Variant Classification Criteria 13 December 2019. Collection method: clinical testing. Allele origin: germline.